The following is an entry in ClinVar:

NM_004281.4(BAG3):c.432C>A (p.Thr144=)

Gene: BAG3 (BAG cochaperone 3; plus strand). Cytogenetic location: 10q26.11.
Variant type: single nucleotide variant.
Coding change: c.432C>A on transcript NM_004281.4 (MANE Select); coding-DNA position 432, C replaced by A.
Protein change: p.Thr144=; no amino-acid change (threonine 144 retained).
Molecular consequence: synonymous variant.
Genome position (GRCh38, 1-based): chr10:119,670,102, C>A. VCF-style: chr10-119670102-C-A. GRCh37 (hg19) VCF-style: chr10-121429614-C-A.
Identifiers: ClinVar variation 680406 (VCV000680406.16), dbSNP rs144928892, ClinGen allele CA5716319.

ClinVar aggregate classification (germline): Likely benign. Review status: criteria provided, multiple submitters, no conflicts (2 of 4 stars). 5 submissions from 5 submitters: Likely benign (5). Last evaluated 2026-01-17.

Conditions:
BAG3-related disorder. Also called: BAG3-related condition.
Cardiomyopathy (CMYO). Also called: Cardiomyopathies. Identifiers: Orphanet 167848, MedGen C0878544, MONDO:0004994, HP:0001638. Inheritance: Various modes of inheritance.
Dilated cardiomyopathy 1HH (CMD1HH). Identifiers: Orphanet 154, MedGen C3151293, MONDO:0013479, OMIM 613881.
Myofibrillar myopathy 6. Identifiers: Orphanet 199340, MedGen C2751831, MONDO:0013061, OMIM 612954.
Cardiovascular phenotype. Identifiers: MedGen CN230736.

Allele frequency attached by ClinVar (database versions not stated): ExAC 0.00002; gnomAD exomes 0.00002; gnomAD 0.00007 and 0.00008; ESP Exome Variant Server 0.00008; TOPMed 0.00010.
gnomAD v4.1: 20 of 1,613,602 alleles (0.0012%); highest among the groups gnomAD compares: African/African-American, 0.027%; no homozygotes.

Submissions (5):

Labcorp Genetics (formerly Invitae), Labcorp
Classification: Likely benign for Dilated cardiomyopathy 1HH; Myofibrillar myopathy 6. Last evaluated: 2026-01-17. Review status: criteria provided, single submitter. Criteria: Invitae Variant Classification Sherloc (09022015). Collection method: clinical testing. Allele origin: germline.

PreventionGenetics, part of Exact Sciences
Classification: Likely benign for BAG3-related condition. Last evaluated: 2024-12-29. Review status: criteria provided, single submitter. Criteria: ACMG Guidelines, 2015. Collection method: clinical testing. Allele origin: germline.
Comment: This variant is classified as likely benign based on ACMG/AMP sequence variant interpretation guidelines (Richards et al. 2015 PMID: 25741868, with internal and published modifications).

CHEO Genetics Diagnostic Laboratory, Children's Hospital of Eastern Ontario
Classification: Likely benign for Cardiomyopathy. Last evaluated: 2021-09-01. Review status: criteria provided, single submitter. Criteria: ACMG Guidelines, 2015. Collection method: clinical testing. Allele origin: germline.

Ambry Genetics
Classification: Likely benign for Cardiovascular phenotype. Last evaluated: 2020-08-25. Review status: criteria provided, single submitter. Criteria: Ambry Variant Classification Scheme 2023. Collection method: clinical testing. Allele origin: germline.

GeneDx
Classification: Likely benign. Last evaluated: 2019-11-15. Review status: criteria provided, single submitter. Criteria: GeneDx Variant Classification Process June 2021. Collection method: clinical testing. Allele origin: germline. Affected: yes.